The following is an entry in ClinVar:

NM_024417.5(FDXR):c.615G>A (p.Thr205=)

Gene: FDXR (ferredoxin reductase; minus strand). Cytogenetic location: 17q25.1.
Variant type: single nucleotide variant.
Coding change: c.615G>A on transcript NM_024417.5 (MANE Select); coding-DNA position 615, G replaced by A.
Protein change: p.Thr205=; no amino-acid change (threonine 205 retained).
Molecular consequence: synonymous variant. On other transcripts: non-coding transcript variant (1).
Genome position (GRCh38, 1-based): chr17:74,864,926, C>T on the plus strand (G>A on the coding strand, the complement: FDXR is on the minus strand). VCF-style: chr17-74864926-C-T. GRCh37 (hg19) VCF-style: chr17-72861048-C-T.
Other names: p.Thr205=; c.591G>A, p.Thr197= (NM_001258014.4); c.495G>A, p.Thr165= (NM_001258015.3); c.459G>A, p.Thr153= (NM_001258016.3); c.633G>A, p.Thr211= (NM_004110.6); c.744G>A, p.Thr248= (NM_001258012.4); c.708G>A, p.Thr236= (NM_001258013.4).
Identifiers: ClinVar variation 4542215 (VCV004542215.1).

ClinVar aggregate classification (germline): Uncertain significance (1 of 4 stars; one submission).

gnomAD v4.1: 11 of 1,614,008 alleles (0.00068%); highest among the groups gnomAD compares: Admixed American, 0.0017%; no homozygotes.

Submission:

Mayo Clinic Laboratories, Mayo Clinic
Classification: Uncertain significance. Last evaluated: 2024-10-17. Review status: criteria provided, single submitter. Criteria: ACMG Guidelines, 2015. Collection method: clinical testing. Allele origin: germline. Observed: 1 variant allele.
Comment: PM2_supporting